The following is an entry in ClinVar:

NM_003002.4(SDHD):c.144C>G (p.His48Gln)

Gene: SDHD (succinate dehydrogenase complex subunit D; plus strand). Cytogenetic location: 11q23.1.
Variant type: single nucleotide variant.
Coding change: c.144C>G on transcript NM_003002.4 (MANE Select); coding-DNA position 144, C replaced by G.
Protein change: p.His48Gln; replaces histidine 48 with glutamine.
Molecular consequence: missense variant. On other transcripts: non-coding transcript variant (1), intron variant (1).
Genome position (GRCh38, 1-based): chr11:112,087,948, C>G. VCF-style: chr11-112087948-C-G. GRCh37 (hg19) VCF-style: chr11-111958672-C-G.
Other names: c.144C>G, p.His48Gln (NM_001276503.2, NM_001276506.2); c.53-919C>G (NM_001276504.2); short protein forms H48Q.
Identifiers: ClinVar variation 3951421 (VCV003951421.1).

ClinVar aggregate classification (germline): Uncertain significance (1 of 4 stars; one submission).

Conditions:
Hereditary cancer-predisposing syndrome. Also called: Tumor predisposition; Hereditary neoplastic syndrome; Hereditary Cancer Syndrome; Neoplastic Syndromes, Hereditary. Identifiers: Orphanet 140162, MedGen C0027672, MeSH D009386, MONDO:0015356.

Submission:

Ambry Genetics
Classification: Uncertain significance for Hereditary cancer-predisposing syndrome. Last evaluated: 2025-05-10. Review status: criteria provided, single submitter. Criteria: Ambry Variant Classification Scheme 2023. Collection method: clinical testing. Allele origin: germline.
Comment: The p.H48Q variant (also known as c.144C>G), located in coding exon 2 of the SDHD gene, results from a C to G substitution at nucleotide position 144. The histidine at codon 48 is replaced by glutamine, an amino acid with highly similar properties. This amino acid position is conserved. In addition, the in silico prediction for this alteration is inconclusive. Based on the available evidence, the clinical significance of this variant remains unclear.